The following is an entry in ClinVar:

NM_006904.7(PRKDC):c.6848A>G (p.Asn2283Ser)

Gene: PRKDC (protein kinase, DNA-activated, catalytic subunit; minus strand). Cytogenetic location: 8q11.21.
Variant type: single nucleotide variant.
Coding change: c.6848A>G on transcript NM_006904.7 (MANE Select); coding-DNA position 6848, A replaced by G.
Protein change: p.Asn2283Ser; replaces asparagine 2283 with serine.
Molecular consequence: missense variant.
Genome position (GRCh38, 1-based): chr8:47,854,128, T>C on the plus strand (A>G on the coding strand, the complement: PRKDC is on the minus strand). VCF-style: chr8-47854128-T-C. GRCh37 (hg19) VCF-style: chr8-48766689-T-C.
Other names: c.6848A>G, p.Asn2283Ser (NM_001081640.2); short protein forms N2283S.
Identifiers: ClinVar variation 4771962 (VCV004771962.1).

ClinVar aggregate classification (germline): Uncertain significance (1 of 4 stars; one submission).

Conditions:
Severe combined immunodeficiency due to DNA-PKcs deficiency. Also called: IMMUNODEFICIENCY 26 WITH NEUROLOGIC ABNORMALITIES; Immunodeficiency 26 with or without neurologic abnormalities. Identifiers: Orphanet 317425, MedGen C4014833, MONDO:0014423, OMIM 615966.

Submission:

Labcorp Genetics (formerly Invitae), Labcorp
Classification: Uncertain significance for Severe combined immunodeficiency due to DNA-PKcs deficiency. Last evaluated: 2026-01-21. Review status: criteria provided, single submitter. Criteria: Invitae Variant Classification Sherloc (09022015). Collection method: clinical testing. Allele origin: germline.
Comment: This sequence change replaces asparagine, which is neutral and polar, with serine, which is neutral and polar, at codon 2283 of the PRKDC protein (p.Asn2283Ser). This variant is not present in population databases (gnomAD no frequency). This variant has not been reported in the literature in individuals affected with PRKDC-related conditions. Invitae Evidence Modeling of protein sequence and biophysical properties (such as structural, functional, and spatial information, amino acid conservation, physicochemical variation, residue mobility, and thermodynamic stability) has been performed for this missense variant. However, the output from this modeling did not meet the statistical confidence thresholds required to predict the impact of this variant on PRKDC protein function. In summary, the available evidence is currently insufficient to determine the role of this variant in disease. Therefore, it has been classified as a Variant of Uncertain Significance.